The following is an entry in ClinVar:

NM_004523.4(KIF11):c.2932_2933dup (p.Val978_Glu979insTer)

Gene: KIF11 (kinesin family member 11; plus strand). Cytogenetic location: 10q23.33.
Variant type: Duplication.
Coding change: c.2932_2933dup on transcript NM_004523.4 (MANE Select); coding-DNA positions 2932 to 2933, 2 bases duplicated (GT; older notation c.2932_2933dupGT).
Protein change: p.Val978_Glu979insTer.
Molecular consequence: frameshift variant.
Genome position (GRCh38, 1-based): chr10:92,650,410-92,650,411, GT duplicated; duplicating any 2 consecutive bases within chr10:92,650,409-92,650,411 gives the same sequence; the c. name uses the placement nearest the transcript's 3' end. VCF-style (leftmost placement, unchanged base first): chr10-92650408-A-ATG. GRCh37 (hg19) VCF-style: chr10-94410165-A-ATG.
Identifiers: ClinVar variation 1297165 (VCV001297165.2), dbSNP rs2135925949, ClinGen allele CA658795145.
Genomic context (GRCh38, chr10:92,650,408, plus strand): 5'-GTGATGACTTTTAAGCCCTTGGACTTAGTCACTCATCCAGTTTCTTCTTTTAGGATGTGG[A>ATG]TGTAGAAGAGGCAGTTCTGGGGCAGTATACTGAAGAACCTCTAAGTCAAGAGCCATCTGT-3'

ClinVar aggregate classification (germline): Pathogenic (1 of 4 stars; one submission).

Conditions:
Retinitis pigmentosa (RP). Identifiers: Orphanet 791, MedGen C0035334, MeSH D012174, MONDO:0019200, OMIM 268000. Inheritance: Autosomal dominant, autosomal recessive and X linked inheritance.

Submission:

Broad Center for Mendelian Genomics, Broad Institute of MIT and Harvard
Classification: Pathogenic for Retinitis pigmentosa. Last evaluated: 2021-04-01. Review status: criteria provided, single submitter. Criteria: ACMG Guidelines, 2015. Collection method: curation. Allele origin: germline. Inheritance: Autosomal dominant inheritance. Affected: yes.
Comment: Through a review of available evidence we were able to apply the following criteria: PVS1 , PM2, PP1. Based on this evidence we have classified this variant as Pathogenic. If you have any questions about the classification please reach out to the Pierce Lab.

Literature cited by the submitters: PubMed 34906470.